The following is an entry in ClinVar:

ClinVar aggregate classification (germline): Uncertain significance (1 of 4 stars; one submission).

Conditions:
Regional enteritis. Also called: Enteritis, Granulomatous. Identifiers: MedGen C0678202, MeSH D003424.
Blau syndrome (BLAUS). Also called: ARTHROCUTANEOUVEAL GRANULOMATOSIS; GRANULOMATOSIS, FAMILIAL JUVENILE SYSTEMIC; GRANULOMATOSIS, FAMILIAL, BLAU TYPE; GRANULOMATOUS INFLAMMATORY ARTHRITIS, DERMATITIS, AND UVEITIS, FAMILIAL; JABS SYNDROME. Identifiers: Orphanet 90340, MedGen C5201146, MONDO:0008523, OMIM 186580.

gnomAD v4.1: 11 of 1,614,126 alleles (0.00068%); highest among the groups gnomAD compares: Non-Finnish European, 0.00093%; no homozygotes.

Submission:

Labcorp Genetics (formerly Invitae), Labcorp
Classification: Uncertain significance for Regional enteritis; Blau syndrome. Last evaluated: 2025-05-24. Review status: criteria provided, single submitter. Criteria: Invitae Variant Classification Sherloc (09022015). Collection method: clinical testing. Allele origin: germline.
Comment: This sequence change replaces methionine, which is neutral and non-polar, with leucine, which is neutral and non-polar, at codon 863 of the NOD2 protein (p.Met863Leu). This variant is present in population databases (no rsID available, gnomAD 0.0009%). This variant has not been reported in the literature in individuals affected with NOD2-related conditions. Invitae Evidence Modeling of protein sequence and biophysical properties (such as structural, functional, and spatial information, amino acid conservation, physicochemical variation, residue mobility, and thermodynamic stability) indicates that this missense variant is not expected to disrupt NOD2 protein function with a negative predictive value of 95%. In summary, the available evidence is currently insufficient to determine the role of this variant in disease. Therefore, it has been classified as a Variant of Uncertain Significance.

NM_001370466.1(NOD2):c.2506A>T (p.Met836Leu)

Gene: NOD2 (nucleotide binding oligomerization domain containing 2; plus strand). Cytogenetic location: 16q12.1.
Variant type: single nucleotide variant.
Coding change: c.2506A>T on transcript NM_001370466.1 (MANE Select); coding-DNA position 2506, A replaced by T.
Protein change: p.Met836Leu; replaces methionine 836 with leucine.
Molecular consequence: missense variant. On other transcripts: non-coding transcript variant (1).
Genome position (GRCh38, 1-based): chr16:50,716,931, A>T. VCF-style: chr16-50716931-A-T. GRCh37 (hg19) VCF-style: chr16-50750842-A-T.
Other names: c.2506A>T, p.Met836Leu (NM_001293557.2); c.2587A>T, p.Met863Leu (NM_022162.3); short protein forms M863L, M836L.
Identifiers: ClinVar variation 4791434 (VCV004791434.1).
Genomic context (GRCh38, chr16:50,716,931, plus strand): 5'-TCTCTTCTGGAACTGAACAGTCTATTCAACAACAAATTGACTGACGGCTGTGCACACTCC[A>T]TGGCTAAGCTCCTTGCATGCAGGCAGAACTTCTTGGCATTGAGGTGAGCCCAGGTTTTCC-3'
Protein context (NP_001357395.1, residues 826-846): NKLTDGCAHS[Met836Leu]AKLLACRQNF